The following is an entry in ClinVar:

NM_001386795.1(DTNA):c.1426T>C (p.Ser476Pro)

Gene: DTNA (dystrobrevin alpha; plus strand). Cytogenetic location: 18q12.1.
Variant type: single nucleotide variant.
Coding change: c.1426T>C on transcript NM_001386795.1 (MANE Select); coding-DNA position 1426, T replaced by C.
Protein change: p.Ser476Pro; replaces serine 476 with proline.
Molecular consequence: missense variant. On other transcripts: intron variant (1).
Genome position (GRCh38, 1-based): chr18:34,848,375, T>C. VCF-style: chr18-34848375-T-C. GRCh37 (hg19) VCF-style: chr18-32428339-T-C.
Other names: c.1165T>C, p.Ser389Pro (NM_001198938.2, NM_001198939.2, NM_001198940.2 and 13 more transcripts); c.472T>C, p.Ser158Pro (NM_001198942.1); c.415T>C, p.Ser139Pro (NM_001198943.1); c.301T>C, p.Ser101Pro (NM_001198944.1); c.1255T>C, p.Ser419Pro (NM_001386754.1, NM_001386755.1, NM_001386756.1 and 5 more transcripts); c.1174T>C, p.Ser392Pro (NM_001386761.1, NM_001386762.1, NM_032975.4 and 1 more transcripts); c.1426T>C, p.Ser476Pro (NM_001386788.1); c.1345T>C, p.Ser449Pro (NM_001390.5, NM_001391.5); and 4 more; short protein forms S392P, S446P, S449P, S158P, S71P, S389P, S97P, S101P.
Identifiers: ClinVar variation 373170 (VCV000373170.1), dbSNP rs1057518266, ClinGen allele CA16043151.

ClinVar aggregate classification (germline): Uncertain significance (1 of 4 stars; one submission).

Submission:

GeneDx
Classification: Uncertain significance. Last evaluated: 2016-11-17. Review status: criteria provided, single submitter. Criteria: GeneDx Variant Classification (06012015). Collection method: clinical testing. Allele origin: germline. Affected: yes.
Comment: A novel variant of uncertain significance has been identified in the DTNA gene. The S449P variant has not been published as a pathogenic variant, nor has it been reported as a benign variant to our knowledge. It was not observed in approximately 6,500 individuals of European and African American ancestry in the NHLBI Exome Sequencing Project, indicating it is not a common benign variant in these populations. The S449P variant is a non-conservative amino acid substitution, which is likely to impact secondary protein structure as these residues differ in polarity, charge, size and/or other properties. Moreover, this substitution occurs at a position where only amino acids with similar properties to serine (S) are tolerated across species, and in silico analysis predicts this variant is probably damaging to the protein structure/function. Nonetheless, this variant lacks observation in a significant number of affected individuals, segregation data, and functional evidence, all of which would further clarify pathogenicity.Therefore, based on the currently available information, it is unclear whether this variant is pathogenic or rare benign.